The following is an entry in ClinVar:

ClinVar aggregate classification (germline): Uncertain significance (1 of 4 stars; one submission).

Conditions:
Amyotrophic lateral sclerosis type 4 (ALS4). Also called: AMYOTROPHIC LATERAL SCLEROSIS 4, JUVENILE; NEURONOPATHY, DISTAL HEREDITARY MOTOR, WITH PYRAMIDAL FEATURES. Identifiers: Orphanet 357043, MedGen C1865409, MONDO:0011223, OMIM 602433.
Spinocerebellar ataxia, autosomal recessive, with axonal neuropathy 2 (SCAN2). Also called: ATAXIA-OCULOMOTOR APRAXIA 2; Ataxia with Oculomotor Apraxia Type 2; Ataxia-ocular apraxia-2; Ataxia with Oculomotor Apraxia. Identifiers: Orphanet 64753, MedGen C1853761, MONDO:0018996, OMIM 606002.

Allele frequency attached by ClinVar (database versions not stated): gnomAD exomes below 0.00001.
gnomAD v4.1: 6 of 1,580,542 alleles (0.00038%); highest among the groups gnomAD compares: Non-Finnish European, 0.00052%; no homozygotes.

Submission:

Labcorp Genetics (formerly Invitae), Labcorp
Classification: Uncertain significance for Amyotrophic lateral sclerosis type 4; Spinocerebellar ataxia, autosomal recessive, with axonal neuropathy 2. Last evaluated: 2023-07-31. Review status: criteria provided, single submitter. Criteria: Invitae Variant Classification Sherloc (09022015). Collection method: clinical testing. Allele origin: germline.
Comment: In summary, the available evidence is currently insufficient to determine the role of this variant in disease. Therefore, it has been classified as a Variant of Uncertain Significance. Algorithms developed to predict the effect of sequence changes on RNA splicing suggest that this variant may create or strengthen a splice site. This variant has not been reported in the literature in individuals affected with SETX-related conditions. This variant is not present in population databases (gnomAD no frequency). This sequence change falls in intron 16 of the SETX gene. It does not directly change the encoded amino acid sequence of the SETX protein.

NM_015046.7(SETX):c.6209-12T>G

Gene: SETX (senataxin; minus strand). Cytogenetic location: 9q34.13.
Variant type: single nucleotide variant.
Coding change: c.6209-12T>G on transcript NM_015046.7 (MANE Select); 12 bases into the intron before coding-DNA position 6209, T replaced by G.
Molecular consequence: intron variant.
Genome position (GRCh38, 1-based): chr9:132,288,363, A>C on the plus strand (T>G on the coding strand, the complement: SETX is on the minus strand). VCF-style: chr9-132288363-A-C. GRCh37 (hg19) VCF-style: chr9-135163750-A-C.
Other names: c.6209-12T>G (NM_001351528.2, NM_001351527.2).
Identifiers: ClinVar variation 2933264 (VCV002933264.3), dbSNP rs1844055068, ClinGen allele CA1882134521.